The following is an entry in ClinVar:

NM_002497.4(NEK2):c.356A>G (p.Gln119Arg)

Gene: NEK2 (NIMA related kinase 2; minus strand). Cytogenetic location: 1q32.3.
Variant type: single nucleotide variant.
Coding change: c.356A>G on transcript NM_002497.4 (MANE Select); coding-DNA position 356, A replaced by G.
Protein change: p.Gln119Arg; replaces glutamine 119 with arginine.
Molecular consequence: missense variant.
Genome position (GRCh38, 1-based): chr1:211,673,682, T>C on the plus strand (A>G on the coding strand, the complement: NEK2 is on the minus strand). VCF-style: chr1-211673682-T-C. GRCh37 (hg19) VCF-style: chr1-211847024-T-C.
Other names: c.356A>G, p.Gln119Arg (NM_001204182.2, NM_001204183.2); short protein forms Q119R.
Identifiers: ClinVar variation 2041586 (VCV002041586.4), dbSNP rs1317151113, ClinGen allele CA344784303.
Genomic context (GRCh38, chr1:211,673,682, plus strand): 5'-TGCAATACGGTATGACCACCATCACTTCGTCTGTGGCATTCCTTCAGGGCCAGAGTCAAC[T>C]GAGTCATCACTCGAAGAACAAACTCTTCATCTAAGTATTGCCTAAAACCAAAGCAGTTAT-3'
Protein context (NP_002488.1, residues 109-129): DEEFVLRVMT[Gln119Arg]LTLALKECHR

ClinVar aggregate classification (germline): Uncertain significance (1 of 4 stars; one submission).

Allele frequency attached by ClinVar (database versions not stated): gnomAD 0.00001; TOPMed 0.00002.
gnomAD v4.1: 14 of 1,614,088 alleles (0.00087%); highest among the groups gnomAD compares: Non-Finnish European, 0.0012%; no homozygotes.

Submission:

Labcorp Genetics (formerly Invitae), Labcorp
Classification: Uncertain significance. Last evaluated: 2024-10-23. Review status: criteria provided, single submitter. Criteria: Invitae Variant Classification Sherloc (09022015). Collection method: clinical testing. Allele origin: germline.
Comment: This sequence change replaces glutamine, which is neutral and polar, with arginine, which is basic and polar, at codon 119 of the NEK2 protein (p.Gln119Arg). This variant is present in population databases (no rsID available, gnomAD 0.0009%). This variant has not been reported in the literature in individuals affected with NEK2-related conditions. ClinVar contains an entry for this variant (Variation ID: 2041586). An algorithm developed to predict the effect of missense changes on protein structure and function (PolyPhen-2) suggests that this variant is likely to be disruptive. In summary, the available evidence is currently insufficient to determine the role of this variant in disease. Therefore, it has been classified as a Variant of Uncertain Significance.